The following is an entry in ClinVar:

ClinVar aggregate classification (germline): Benign. Review status: criteria provided, multiple submitters, no conflicts (2 of 4 stars). 4 submissions from 4 submitters: Benign (4). Last evaluated 2026-02-02.

Allele frequency attached by ClinVar (database versions not stated): 1000 Genomes Project 30x 0.01999; 1000 Genomes Project 0.02117; ESP Exome Variant Server 0.02332; TOPMed 0.02443; gnomAD 0.02900 and 0.02927; gnomAD exomes 0.03432; ExAC 0.03545.

Submissions (4):

Labcorp Genetics (formerly Invitae), Labcorp
Classification: Benign. Last evaluated: 2026-02-02. Review status: criteria provided, single submitter. Criteria: Invitae Variant Classification Sherloc (09022015). Collection method: clinical testing. Allele origin: germline.

Mayo Clinic Laboratories, Mayo Clinic
Classification: Benign. Last evaluated: 2022-11-13. Review status: criteria provided, single submitter. Criteria: ACMG Guidelines, 2015. Collection method: clinical testing. Allele origin: germline. Observed: 39 variant alleles.

GeneDx
Classification: Benign. Last evaluated: 2016-02-10. Review status: criteria provided, single submitter. Criteria: GeneDx Variant Classification (06012015). Collection method: clinical testing. Allele origin: germline. Affected: yes.
Comment: This variant is considered likely benign or benign based on one or more of the following criteria: it is a conservative change, it occurs at a poorly conserved position in the protein, it is predicted to be benign by multiple in silico algorithms, and/or has population frequency not consistent with disease.

Breakthrough Genomics
Classification: Benign. Review status: criteria provided, single submitter. Criteria: ACMG Guidelines, 2015. Collection method: not provided. Allele origin: germline. Inheritance: Autosomal recessive inheritance. Affected: yes.

NM_001397406.1(FDX2):c.145+4C>T

Genes: FDX2 (ferredoxin 2; minus strand), FDX2-ZGLP1 (FDX2-ZGLP1 readthrough (NMD candidate); minus strand). Cytogenetic location: 19p13.2.
Variant type: single nucleotide variant.
Coding change: c.145+4C>T on transcript NM_001397406.1 (MANE Select); 4 bases into the intron after coding-DNA position 145, C replaced by T.
Molecular consequence: intron variant.
Genome position (GRCh38, 1-based): chr19:10,315,848, G>A on the plus strand (C>T on the coding strand, the complement: FDX2 is on the minus strand). VCF-style: chr19-10315848-G-A. GRCh37 (hg19) VCF-style: chr19-10426524-G-A.
Other names: p.?; c.154+4C>T (NM_001031734.4).
Identifiers: ClinVar variation 380451 (VCV000380451.12), dbSNP rs79442975, ClinGen allele CA9191340.